The following is an entry in ClinVar:

ClinVar aggregate classification (germline): Likely benign. Review status: criteria provided, multiple submitters, no conflicts (2 of 4 stars). 4 submissions from 4 submitters: Likely benign (4). Last evaluated 2026-03-27.

Conditions:
Familial thoracic aortic aneurysm and aortic dissection (TAAD). Also called: Thoracic aortic aneurysms and dissections. Identifiers: Orphanet 91387, MedGen C4707243, MONDO:0019625.

Submissions (4):

Molecular Diagnostic Laboratory for Inherited Cardiovascular Disease, Montreal Heart Institute
Classification: Likely benign. Last evaluated: 2026-03-27. Review status: criteria provided, single submitter. Criteria: ACMG Guidelines, 2015. Collection method: clinical testing. Allele origin: germline. Affected: no.
Comment: BP7

Ambry Genetics
Classification: Likely benign for Familial thoracic aortic aneurysm and aortic dissection. Last evaluated: 2025-05-18. Review status: criteria provided, single submitter. Criteria: Ambry Variant Classification Scheme 2023. Collection method: clinical testing. Allele origin: germline.

Labcorp Genetics (formerly Invitae), Labcorp
Classification: Likely benign for Familial thoracic aortic aneurysm and aortic dissection. Last evaluated: 2024-03-04. Review status: criteria provided, single submitter. Criteria: Invitae Variant Classification Sherloc (09022015). Collection method: clinical testing. Allele origin: germline.

Color Diagnostics, LLC DBA Color Health
Classification: Likely benign for Familial thoracic aortic aneurysm and aortic dissection. Last evaluated: 2021-03-03. Review status: criteria provided, single submitter. Criteria: ACMG Guidelines, 2015. Collection method: clinical testing. Allele origin: germline.

NM_003242.6(TGFBR2):c.1152T>C (p.Asn384=)

Gene: TGFBR2 (transforming growth factor beta receptor 2; plus strand). Cytogenetic location: 3p24.1.
Variant type: single nucleotide variant.
Coding change: c.1152T>C on transcript NM_003242.6 (MANE Select); coding-DNA position 1152, T replaced by C.
Protein change: p.Asn384=; no amino-acid change (asparagine 384 retained).
Molecular consequence: synonymous variant. On other transcripts: intron variant (1).
Genome position (GRCh38, 1-based): chr3:30,672,335, T>C. VCF-style: chr3-30672335-T-C. GRCh37 (hg19) VCF-style: chr3-30713827-T-C.
Other names: c.1227T>C, p.Asn409= (NM_001024847.3); c.1335T>C, p.Asn445= (NM_001407126.1); c.1260T>C, p.Asn420= (NM_001407127.1); c.1179T>C, p.Asn393= (NM_001407128.1); c.1155T>C, p.Asn385= (NM_001407129.1); c.1152T>C, p.Asn384= (NM_001407130.1); c.1047T>C, p.Asn349= (NM_001407132.1, NM_001407133.1, NM_001407134.1 and 2 more transcripts); c.867T>C, p.Asn289= (NM_001407137.1); and 2 more.
Identifiers: ClinVar variation 1331898 (VCV001331898.10), dbSNP rs193922661, ClinGen allele CA432917606.